The following is an entry in ClinVar:

NM_212482.4(FN1):c.719A>G (p.Tyr240Cys)

Gene: FN1 (fibronectin 1; minus strand). Cytogenetic location: 2q35.
Variant type: single nucleotide variant.
Coding change: c.719A>G on transcript NM_212482.4 (MANE Select); coding-DNA position 719, A replaced by G.
Protein change: p.Tyr240Cys; replaces tyrosine 240 with cysteine.
Molecular consequence: missense variant.
Genome position (GRCh38, 1-based): chr2:215,428,305, T>C on the plus strand (A>G on the coding strand, the complement: FN1 is on the minus strand). VCF-style: chr2-215428305-T-C. GRCh37 (hg19) VCF-style: chr2-216293028-T-C.
Other names: c.719A>G, p.Tyr240Cys (NM_001306129.2, NM_001306130.2, NM_001306131.2 and 14 more transcripts); short protein forms Y240C.
Identifiers: ClinVar variation 1722165 (VCV001722165.5), dbSNP rs2470467028, ClinGen allele CA350474246.

ClinVar aggregate classification (germline): Uncertain significance (1 of 4 stars; one submission).

Submission:

Labcorp Genetics (formerly Invitae), Labcorp
Classification: Uncertain significance. Last evaluated: 2022-10-25. Review status: criteria provided, single submitter. Criteria: Invitae Variant Classification Sherloc (09022015). Collection method: clinical testing. Allele origin: germline.
Comment: This variant has not been reported in the literature in individuals affected with FN1-related conditions. This sequence change replaces tyrosine, which is neutral and polar, with cysteine, which is neutral and slightly polar, at codon 240 of the FN1 protein (p.Tyr240Cys). This variant is not present in population databases (gnomAD no frequency). Advanced modeling of protein sequence and biophysical properties (such as structural, functional, and spatial information, amino acid conservation, physicochemical variation, residue mobility, and thermodynamic stability) performed at Invitae indicates that this missense variant is not expected to disrupt FN1 protein function. In summary, the available evidence is currently insufficient to determine the role of this variant in disease. Therefore, it has been classified as a Variant of Uncertain Significance.